The following is an entry in ClinVar:

ClinVar aggregate classification (germline): Uncertain significance. Review status: criteria provided, multiple submitters, no conflicts (2 of 4 stars). 2 submissions from 2 submitters: Uncertain significance (2). Last evaluated 2025-12-20.

Conditions:
Cardiomyopathy (CMYO). Also called: Cardiomyopathies. Identifiers: Orphanet 167848, MedGen C0878544, MONDO:0004994, HP:0001638. Inheritance: Various modes of inheritance.
Catecholaminergic polymorphic ventricular tachycardia 1. Also called: VENTRICULAR TACHYCARDIA, CATECHOLAMINERGIC POLYMORPHIC, 1, WITH OR WITHOUT ATRIAL DYSFUNCTION AND/OR DILATED CARDIOMYOPATHY; RYR2-Related Catecholaminergic Polymorphic Ventricular Tachycardia; VENTRICULAR TACHYCARDIA, STRESS-INDUCED POLYMORPHIC 1. Identifiers: Orphanet 3286, MedGen C1631597, MONDO:0011484, OMIM 604772.

Allele frequency attached by ClinVar (database versions not stated): gnomAD exomes 0.00001.
gnomAD v4.1: 6 of 1,258,782 alleles (0.00048%); highest among the groups gnomAD compares: Non-Finnish European, 0.0006%; no homozygotes.

Submissions (2):

Labcorp Genetics (formerly Invitae), Labcorp
Classification: Uncertain significance for Catecholaminergic polymorphic ventricular tachycardia 1. Last evaluated: 2025-12-20. Review status: criteria provided, single submitter. Criteria: Invitae Variant Classification Sherloc (09022015). Collection method: clinical testing. Allele origin: germline.
Comment: This sequence change falls in intron 1 of the RYR2 gene. It does not directly change the encoded amino acid sequence of the RYR2 protein. It affects a nucleotide within the consensus splice site. This variant is not present in population databases (gnomAD no frequency). This variant has not been reported in the literature in individuals affected with RYR2-related conditions. ClinVar contains an entry for this variant (Variation ID: 2075502). Variants that disrupt the consensus splice site are a relatively common cause of aberrant splicing (PMID: 17576681, 9536098). Algorithms developed to predict the effect of sequence changes on RNA splicing suggest that this variant is not likely to affect RNA splicing. In summary, the available evidence is currently insufficient to determine the role of this variant in disease. Therefore, it has been classified as a Variant of Uncertain Significance.

Color Diagnostics, LLC DBA Color Health
Classification: Uncertain significance for Cardiomyopathy. Last evaluated: 2025-07-07. Review status: criteria provided, single submitter. Criteria: ACMG Guidelines, 2015. Collection method: clinical testing. Allele origin: germline.
Comment: This variant causes a C to A nucleotide substitution at the +6 position of intron 1/104 of the RYR2 gene. To our knowledge, functional studies have not been reported for this variant. This variant has not been reported in individuals affected with RYR2-related disorders in the literature. This variant has not been identified in the general population by the Genome Aggregation Database (gnomAD). The available evidence is insufficient to determine the role of this variant in disease conclusively. Therefore, this variant is classified as a Variant of Uncertain Significance.

Literature cited by the submitters: PubMed 17576681 (cited by Labcorp Genetics (formerly Invitae), Labcorp); PubMed 9536098 (cited by Labcorp Genetics (formerly Invitae), Labcorp).

NM_001035.3(RYR2):c.48+6C>A

Gene: RYR2 (ryanodine receptor 2; plus strand). Cytogenetic location: 1q43.
Variant type: single nucleotide variant.
Coding change: c.48+6C>A on transcript NM_001035.3 (MANE Select); 6 bases into the intron after coding-DNA position 48, C replaced by A.
Molecular consequence: intron variant.
Genome position (GRCh38, 1-based): chr1:237,042,575, C>A. VCF-style: chr1-237042575-C-A. GRCh37 (hg19) VCF-style: chr1-237205875-C-A.
Identifiers: ClinVar variation 2075502 (VCV002075502.5), dbSNP rs2148062003, ClinGen allele CA2574467191.